The following is an entry in ClinVar:

ClinVar aggregate classification (germline): Likely pathogenic (1 of 4 stars; one submission).

Submission:

Labcorp Genetics (formerly Invitae), Labcorp
Classification: Likely pathogenic. Last evaluated: 2025-05-09. Review status: criteria provided, single submitter. Criteria: Invitae Variant Classification Sherloc (09022015). Collection method: clinical testing. Allele origin: germline.
Comment: This sequence change replaces methionine, which is neutral and non-polar, with valine, which is neutral and non-polar, at codon 1663 of the SRCAP protein (p.Met1663Val). This variant is not present in population databases (gnomAD no frequency). This missense change has been observed in individual(s) with SRCAP-related conditions (internal data). In at least one individual the variant was observed to be de novo. Invitae Evidence Modeling of protein sequence and biophysical properties (such as structural, functional, and spatial information, amino acid conservation, physicochemical variation, residue mobility, and thermodynamic stability) indicates that this missense variant is not expected to disrupt SRCAP protein function with a negative predictive value of 80%. In summary, the currently available evidence indicates that the variant is pathogenic, but additional data are needed to prove that conclusively. Therefore, this variant has been classified as Likely Pathogenic.

NM_006662.3(SRCAP):c.4987A>G (p.Met1663Val)

Gene: SRCAP (Snf2 related CREBBP activator protein; plus strand). Cytogenetic location: 16p11.2.
Variant type: single nucleotide variant.
Coding change: c.4987A>G on transcript NM_006662.3 (MANE Select); coding-DNA position 4987, A replaced by G.
Protein change: p.Met1663Val; replaces methionine 1663 with valine.
Molecular consequence: missense variant.
Genome position (GRCh38, 1-based): chr16:30,724,411, A>G. VCF-style: chr16-30724411-A-G. GRCh37 (hg19) VCF-style: chr16-30735732-A-G.
Other names: short protein forms M1663V.
Identifiers: ClinVar variation 4741183 (VCV004741183.1).
Genomic context (GRCh38, chr16:30,724,411, plus strand): 5'-GCCTCAGCTTCACCGGTACCAGCTCCAACCCCTGTGTTGGCTCCATCATCAACTCAAACT[A>G]TGCTACCAGCCCCGGTTCCGTCACCTCTCCCGAGCCCGGCTTCTACGCAGACACTGGCCC-3'
Protein context (NP_006653.2, residues 1653-1673): PVLAPSSTQT[Met1663Val]LPAPVPSPLP